The following is an entry in ClinVar:

ClinVar aggregate classification (germline): Benign/Likely benign. Review status: criteria provided, multiple submitters, no conflicts (2 of 4 stars). 2 submissions from 2 submitters: Benign (1); Likely benign (1). Last evaluated 2026-01-26.

Allele frequency attached by ClinVar (database versions not stated): ExAC 0.00052; gnomAD exomes 0.00063 and 0.00113; TOPMed 0.00066; gnomAD 0.00068 and 0.00074; ESP Exome Variant Server 0.00087.
gnomAD v4.1: 1,729 of 1,613,582 alleles (0.11%); highest among the groups gnomAD compares: Non-Finnish European, 0.14%; 2 homozygotes.

Submissions (2):

Labcorp Genetics (formerly Invitae), Labcorp
Classification: Likely benign. Last evaluated: 2026-01-26. Review status: criteria provided, single submitter. Criteria: Invitae Variant Classification Sherloc (09022015). Collection method: clinical testing. Allele origin: germline.

CeGaT Center for Human Genetics Tuebingen
Classification: Benign. Last evaluated: 2022-09-01. Review status: criteria provided, single submitter. Criteria: CeGaT Center For Human Genetics Tuebingen Variant Classification Criteria Version 2. Collection method: clinical testing. Allele origin: germline. Affected: yes. Observed: 1 variant allele.
Comment: ITGAM: BS1, BS2

NM_000632.4(ITGAM):c.2481C>A (p.Ser827=)

Gene: ITGAM (integrin subunit alpha M; plus strand). Cytogenetic location: 16p11.2.
Variant type: single nucleotide variant.
Coding change: c.2481C>A on transcript NM_000632.4 (MANE Select); coding-DNA position 2481, C replaced by A.
Protein change: p.Ser827=; no amino-acid change (serine 827 retained).
Molecular consequence: synonymous variant.
Genome position (GRCh38, 1-based): chr16:31,325,380, C>A. VCF-style: chr16-31325380-C-A. GRCh37 (hg19) VCF-style: chr16-31336701-C-A.
Other names: c.2484C>A, p.Ser828= (NM_001145808.2).
Identifiers: ClinVar variation 1553386 (VCV001553386.31), dbSNP rs3087445, ClinGen allele CA8025831.